The following is an entry in ClinVar:

ClinVar aggregate classification (germline): Uncertain significance. Review status: criteria provided, multiple submitters, no conflicts (2 of 4 stars). 3 submissions from 3 submitters: Uncertain significance (3). Last evaluated 2025-12-08.

Conditions:
Autosomal recessive limb-girdle muscular dystrophy type R18 (LGMDR18). Also called: Limb-girdle muscular dystrophy, type 2S; MUSCULAR DYSTROPHY, LIMB-GIRDLE, AUTOSOMAL RECESSIVE 18; Autosomal recessive limb-girdle muscular dystrophy type 2S. Identifiers: Orphanet 369840, MedGen C4517996, MONDO:0014144, OMIM 615356.

Allele frequency attached by ClinVar (database versions not stated): gnomAD exomes 0.00001 and 0.00003; ExAC 0.00002; gnomAD 0.00003; TOPMed 0.00003.
gnomAD v4.1: 50 of 1,584,824 alleles (0.0032%); highest among the groups gnomAD compares: Non-Finnish European, 0.0041%; no homozygotes.

Submissions (3):

Labcorp Genetics (formerly Invitae), Labcorp
Classification: Uncertain significance for Autosomal recessive limb-girdle muscular dystrophy type R18. Last evaluated: 2025-12-08. Review status: criteria provided, single submitter. Criteria: Invitae Variant Classification Sherloc (09022015). Collection method: clinical testing. Allele origin: germline.
Comment: This sequence change falls in intron 9 of the TRAPPC11 gene. It does not directly change the encoded amino acid sequence of the TRAPPC11 protein. RNA analysis indicates that this variant induces altered splicing and likely results in a shortened protein product. This variant is present in population databases (rs758780741, gnomAD 0.0009%). This variant has been observed in individual(s) with autosomal recessive limb-girdle muscular dystrophy type 2S (LGMD2S) (PMID: 29855340). ClinVar contains an entry for this variant (Variation ID: 474369). Variants that disrupt the consensus splice site are a relatively common cause of aberrant splicing (PMID: 17576681, 9536098). Studies have shown that this variant results in skipping of exon 9 and part of exon 10, but is expected to preserve the integrity of the reading-frame (PMID: 29855340). In summary, the available evidence is currently insufficient to determine the role of this variant in disease. Therefore, it has been classified as a Variant of Uncertain Significance.

Women's Health and Genetics/Laboratory Corporation of America, LabCorp
Classification: Uncertain significance. Last evaluated: 2025-07-23. Review status: criteria provided, single submitter. Criteria: LabCorp Variant Classification Summary - May 2015. Collection method: clinical testing. Allele origin: germline.
Comment: Variant summary: TRAPPC11 c.965+5G>T alters a conserved nucleotide located close to a canonical splice site and therefore could affect mRNA splicing, leading to a significantly altered protein sequence. Several computational tools predict a significant impact on normal splicing: Two predict the variant abolishes a 5' splicing donor site. However, these predictions have yet to be confirmed by functional studies. The variant allele was found at a frequency of 8.7e-06 in 230638 control chromosomes (gnomAD). The available data on variant occurrences in the general population are insufficient to allow any conclusion about variant significance. c.965+5G>T has been observed in at least one individual affected with neurological phenotype (severe developmental delay, multifocal restricted diffusion on MRI; later cerebral atrophy) (Larson_2018). These data do not allow any conclusion about variant significance. To our knowledge, no experimental evidence demonstrating an impact on protein function has been reported. The following publications have been ascertained in the context of this evaluation (PMID: 38959600, 29855340). ClinVar contains an entry for this variant (Variation ID: 474369). Based on the evidence outlined above, the variant was classified as uncertain significance.

GeneDx
Classification: Uncertain significance. Last evaluated: 2023-12-12. Review status: criteria provided, single submitter. Criteria: GeneDx Variant Classification Process June 2021. Collection method: clinical testing. Allele origin: germline. Affected: yes.
Comment: In silico analysis is inconclusive as to whether the variant alters gene splicing. In the absence of RNA/functional studies, the actual effect of this sequence change is unknown.; Not observed at significant frequency in large population cohorts (gnomAD); This variant is associated with the following publications: (PMID: 34426522, 29855340)

Literature cited by the submitters: PubMed 29855340 (cited by Labcorp Genetics (formerly Invitae), Labcorp and Women's Health and Genetics/Laboratory Corporation of America, LabCorp); PubMed 17576681 (cited by Labcorp Genetics (formerly Invitae), Labcorp); PubMed 9536098 (cited by Labcorp Genetics (formerly Invitae), Labcorp); PubMed 38959600 (cited by Women's Health and Genetics/Laboratory Corporation of America, LabCorp).

NM_021942.6(TRAPPC11):c.965+5G>T

Gene: TRAPPC11 (trafficking protein particle complex subunit 11; plus strand). Cytogenetic location: 4q35.1.
Variant type: single nucleotide variant.
Coding change: c.965+5G>T on transcript NM_021942.6 (MANE Select); 5 bases into the intron after coding-DNA position 965, G replaced by T.
Molecular consequence: intron variant.
Genome position (GRCh38, 1-based): chr4:183,679,491, G>T. VCF-style: chr4-183679491-G-T. GRCh37 (hg19) VCF-style: chr4-184600644-G-T.
Other names: c.965+5G>T (NM_199053.3).
Identifiers: ClinVar variation 474369 (VCV000474369.12), dbSNP rs758780741, ClinGen allele CA3151753.
Genomic context (GRCh38, chr4:183,679,491, plus strand): 5'-AAAAAGATTGGAAGTGCAGAGCTGTCTTTTGAGCATGATGCATGGATGTCTAAACAGTAT[G>T]TTTTACATTGTCCTTTTAGAATTTTTTAAAAATGATACATAGTATTTGGAGAAATAGCAT-3'